The following is an entry in ClinVar:

NM_006005.3(WFS1):c.642G>A (p.Ala214=)

Gene: WFS1 (wolframin ER transmembrane glycoprotein; plus strand). Cytogenetic location: 4p16.1.
Variant type: single nucleotide variant.
Coding change: c.642G>A on transcript NM_006005.3 (MANE Select); coding-DNA position 642, G replaced by A.
Protein change: p.Ala214=; no amino-acid change (alanine 214 retained).
Molecular consequence: synonymous variant.
Genome position (GRCh38, 1-based): chr4:6,291,927, G>A. VCF-style: chr4-6291927-G-A. GRCh37 (hg19) VCF-style: chr4-6293654-G-A.
Other names: c.642G>A, p.Ala214= (NM_001145853.1).
Identifiers: ClinVar variation 511198 (VCV000511198.62), dbSNP rs761245713, ClinGen allele CA2838984.

ClinVar aggregate classification (germline): Benign/Likely benign. Review status: criteria provided, multiple submitters, no conflicts (2 of 4 stars). 6 submissions from 6 submitters: Benign (1); Likely benign (5). Last evaluated 2025-12-30.

Conditions:
Type 2 diabetes mellitus. Also called: Type II diabetes mellitus. Identifiers: MedGen C0011860, MeSH D003924, MONDO:0005148, OMIM 125853, HP:0005978.
Wolfram-like syndrome. Also called: HEARING LOSS, PROGRESSIVE, WITH OPTIC ATROPHY AND/OR IMPAIRED GLUCOSE REGULATION. Identifiers: Orphanet 411590, MedGen C3280358, MONDO:0013673, OMIM 614296.
Autosomal dominant nonsyndromic hearing loss 6 (LFSNHL). Also called: Autosomal dominant nonsyndromic deafness 6; DEAFNESS, AUTOSOMAL DOMINANT 6; DEAFNESS, AUTOSOMAL DOMINANT 14; DEAFNESS, AUTOSOMAL DOMINANT 38. Identifiers: Orphanet 90635, MedGen C1833021, MONDO:0010963, OMIM 600965.
Cataract 41 (CTRCT41). Also called: CATARACT 41, CONGENITAL NUCLEAR TYPE. Identifiers: Orphanet 91492, Orphanet 98991, Orphanet 98992, Orphanet 98995, MedGen C3805412, MONDO:0007287, OMIM 116400.
Wolfram syndrome 1 (WFS1). Identifiers: Orphanet 3463, MedGen C4551693, MONDO:0009101, OMIM 222300.

Allele frequency attached by ClinVar (database versions not stated): gnomAD exomes 0.00003 and 0.00004; TOPMed 0.00003; gnomAD 0.00005 and 0.00006; ExAC 0.00006.
gnomAD v4.1: 46 of 1,610,146 alleles (0.0029%); highest among the groups gnomAD compares: Admixed American, 0.0084%; no homozygotes.

Submissions (6):

Labcorp Genetics (formerly Invitae), Labcorp
Classification: Likely benign. Last evaluated: 2025-12-30. Review status: criteria provided, single submitter. Criteria: Invitae Variant Classification Sherloc (09022015). Collection method: clinical testing. Allele origin: germline.

Blueprint Genetics
Classification: Likely benign. Last evaluated: 2023-02-08. Review status: criteria provided, single submitter. Criteria: ACMG Guidelines, 2015. Collection method: clinical testing. Allele origin: germline.

Fulgent Genetics
Classification: Likely benign for Cataract 41; Type 2 diabetes mellitus; Wolfram syndrome 1; Autosomal dominant nonsyndromic hearing loss 6; Wolfram-like syndrome. Last evaluated: 2021-08-11. Review status: criteria provided, single submitter. Criteria: ACMG Guidelines, 2015. Collection method: clinical testing. Allele origin: unknown.

CeGaT Center for Human Genetics Tuebingen
Classification: Likely benign. Last evaluated: 2019-07-01. Review status: criteria provided, single submitter. Criteria: CeGaT Center For Human Genetics Tuebingen Variant Classification Criteria Version 2. Collection method: clinical testing. Allele origin: germline. Affected: yes. Observed: 1 variant allele.

GeneDx
Classification: Likely benign. Last evaluated: 2017-09-05. Review status: criteria provided, single submitter. Criteria: GeneDx Variant Classification (06012015). Collection method: clinical testing. Allele origin: germline. Affected: yes.
Comment: This variant is considered likely benign or benign based on one or more of the following criteria: it is a conservative change, it occurs at a poorly conserved position in the protein, it is predicted to be benign by multiple in silico algorithms, and/or has population frequency not consistent with disease.

Clinical Genomics, Uppaluri K&H Personalized Medicine Clinic
Classification: Benign for Wolfram syndrome 1. Review status: criteria provided, single submitter. Criteria: K & H Uppaluri Personalized Medicine Clinic Variant Classification & Assertion Criteria_Updated V.1. Collection method: research. Allele origin: unknown. Inheritance: Autosomal recessive inheritance.
Comment: Potent mutations in WFS1 gene are associated with Wolfram's syndrome, an autosomal recessive condition, which cause diabetes mellitus, diabetes insipidus, deafness and optic atrophy. However no sufficient evidence is found to ascertain the role of this particular variant rs761245713 in Wolfram's syndrome yet.

Literature cited by the submitters: PubMed 20738327 (cited by Clinical Genomics, Uppaluri K&H Personalized Medicine Clinic); PubMed 33879153 (cited by Clinical Genomics, Uppaluri K&H Personalized Medicine Clinic); PubMed 12955714 (cited by Clinical Genomics, Uppaluri K&H Personalized Medicine Clinic); PubMed 18060660 (cited by Clinical Genomics, Uppaluri K&H Personalized Medicine Clinic); PubMed 20301750 (cited by Clinical Genomics, Uppaluri K&H Personalized Medicine Clinic); PubMed 17603484 (cited by Clinical Genomics, Uppaluri K&H Personalized Medicine Clinic).